The following is an entry in ClinVar:

ClinVar aggregate classification (germline): Uncertain significance (1 of 4 stars; one submission).

Conditions:
SOX9-related disorder. Also called: SOX9-related condition.

Allele frequency attached by ClinVar (database versions not stated): gnomAD 0.00003; TOPMed 0.00003; gnomAD exomes 0.00004; ESP Exome Variant Server 0.00008.

Submission:

PreventionGenetics, part of Exact Sciences
Classification: Uncertain significance for SOX9-related condition. Last evaluated: 2023-09-08. Review status: criteria provided, single submitter. Criteria: ACMG Guidelines, 2015. Collection method: clinical testing. Allele origin: germline.
Comment: The SOX9 c.581A>G variant is predicted to result in the amino acid substitution p.Glu194Gly. To our knowledge, this variant has not been reported in the literature. This variant is reported in 0.0040% of alleles in individuals of African descent in gnomAD. At this time, the clinical significance of this variant is uncertain due to the absence of conclusive functional and genetic evidence.

NM_000346.4(SOX9):c.581A>G (p.Glu194Gly)

Gene: SOX9 (SRY-box transcription factor 9; plus strand). Cytogenetic location: 17q24.3.
Variant type: single nucleotide variant.
Coding change: c.581A>G on transcript NM_000346.4 (MANE Select); coding-DNA position 581, A replaced by G.
Protein change: p.Glu194Gly; replaces glutamic acid 194 with glycine.
Molecular consequence: missense variant.
Genome position (GRCh38, 1-based): chr17:72,122,868, A>G. VCF-style: chr17-72122868-A-G. GRCh37 (hg19) VCF-style: chr17-70119009-A-G.
Other names: short protein forms E194G.
Identifiers: ClinVar variation 2629478 (VCV002629478.1), dbSNP rs375577899, ClinGen allele CA293782385.